The following is an entry in ClinVar:

NM_000257.4(MYH7):c.4169+1G>C

Gene: MYH7 (myosin heavy chain 7; minus strand). Cytogenetic location: 14q11.2.
Variant type: single nucleotide variant.
Coding change: c.4169+1G>C on transcript NM_000257.4 (MANE Select); the canonical splice donor site of the intron after coding-DNA position 4169, G replaced by C.
Molecular consequence: splice donor variant.
Genome position (GRCh38, 1-based): chr14:23,418,209, C>G on the plus strand (G>C on the coding strand, the complement: MYH7 is on the minus strand). VCF-style: chr14-23418209-C-G. GRCh37 (hg19) VCF-style: chr14-23887418-C-G.
Other names: c.4169+1G>C (NM_001407004.1).
Identifiers: ClinVar variation 4725299 (VCV004725299.1).

ClinVar aggregate classification (germline): Uncertain significance (1 of 4 stars; one submission).

Conditions:
Hypertrophic cardiomyopathy. Also called: HYPERTROPHIC MYOCARDIOPATHY. Identifiers: Orphanet 217569, MedGen C0007194, MeSH D002312, MONDO:0005045, HP:0001639.

Submission:

Labcorp Genetics (formerly Invitae), Labcorp
Classification: Uncertain significance for Hypertrophic cardiomyopathy. Last evaluated: 2025-08-12. Review status: criteria provided, single submitter. Criteria: Invitae Variant Classification Sherloc (09022015). Collection method: clinical testing. Allele origin: germline.
Comment: This sequence change affects a donor splice site in intron 30 of the MYH7 gene. It is expected to disrupt RNA splicing. Variants that disrupt the donor or acceptor splice site typically lead to a loss of protein function (PMID: 16199547), however the current clinical and genetic evidence is not sufficient to establish whether loss-of-function variants in MYH7 cause disease. This variant is not present in population databases (gnomAD no frequency). Disruption of this splice site has been observed in individual(s) with clinical features of dilated cardiomyopathy (internal data). Algorithms developed to predict the effect of sequence changes on RNA splicing suggest that this variant may disrupt the consensus splice site. In summary, the available evidence is currently insufficient to determine the role of this variant in disease. Therefore, it has been classified as a Variant of Uncertain Significance.

Literature cited by the submitters: PubMed 16199547.